The following is an entry in ClinVar:

ClinVar aggregate classification (germline): Uncertain significance (1 of 4 stars; one submission).

Submission:

Ambry Genetics
Classification: Uncertain significance. Last evaluated: 2023-08-04. Review status: criteria provided, single submitter. Criteria: Ambry Variant Classification Scheme 2023. Collection method: clinical testing. Allele origin: germline.
Comment: The p.A665S variant (also known as c.1993G>T), located in coding exon 10 of the PALLD gene, results from a G to T substitution at nucleotide position 1993. The alanine at codon 665 is replaced by serine, an amino acid with similar properties. This amino acid position is conserved. In addition, this alteration is predicted to be tolerated by in silico analysis. Since supporting evidence is limited at this time, the clinical significance of this alteration remains unclear.

NM_001166108.2(PALLD):c.1993G>T (p.Ala665Ser)

Gene: PALLD (palladin, cytoskeletal associated protein; plus strand). Cytogenetic location: 4q32.3.
Variant type: single nucleotide variant.
Coding change: c.1993G>T on transcript NM_001166108.2 (MANE Select); coding-DNA position 1993, G replaced by T.
Protein change: p.Ala665Ser; replaces alanine 665 with serine.
Molecular consequence: missense variant. On other transcripts: 5 prime UTR variant (4).
Genome position (GRCh38, 1-based): chr4:168,890,950, G>T. VCF-style: chr4-168890950-G-T. GRCh37 (hg19) VCF-style: chr4-169812101-G-T.
Other names: c.847G>T, p.Ala283Ser (NM_001166109.2); c.532G>T, p.Ala178Ser (NM_001166110.2); c.-129G>T (NM_001367567.1, NM_001367568.1, NM_001367569.1 and 1 more transcripts); c.1993G>T, p.Ala665Ser (NM_016081.4); short protein forms A178S, A283S, A665S.
Identifiers: ClinVar variation 2625564 (VCV002625564.2), dbSNP rs2533586889, ClinGen allele CA358797112.
Genomic context (GRCh38, chr4:168,890,950, plus strand): 5'-TAACTATACTGCCTTGTGTTTTTATCCTGCAGAGGATTTCCAAAGAAGGCCAGTAGAACT[G>T]CTAGAATAGCCTCCGATGAGGAAATTCAAGGCACAAAGGATGCTGTTATTCAAGACCTGG-3'
Protein context (NP_001159580.1, residues 655-675): LGFPKKASRT[Ala665Ser]RIASDEEIQG